The following is an entry in ClinVar:

ClinVar aggregate classification (germline): Uncertain significance (1 of 4 stars; one submission).

Submission:

GeneDx
Classification: Uncertain significance. Last evaluated: 2025-06-18. Review status: criteria provided, single submitter. Criteria: GeneDx Variant Classification Process June 2021. Collection method: clinical testing. Allele origin: germline. Affected: yes.
Comment: Not observed at significant frequency in large population cohorts (gnomAD); In silico analysis supports that this missense variant has a deleterious effect on protein structure/function; Has not been previously published as pathogenic or benign to our knowledge

NM_001170629.2(CHD8):c.3323T>C (p.Ile1108Thr)

Gene: CHD8 (chromodomain helicase DNA binding protein 8; minus strand). Cytogenetic location: 14q11.2.
Variant type: single nucleotide variant.
Coding change: c.3323T>C on transcript NM_001170629.2 (MANE Select); coding-DNA position 3323, T replaced by C.
Protein change: p.Ile1108Thr; replaces isoleucine 1108 with threonine.
Molecular consequence: missense variant.
Genome position (GRCh38, 1-based): chr14:21,403,648, A>G on the plus strand (T>C on the coding strand, the complement: CHD8 is on the minus strand). VCF-style: chr14-21403648-A-G. GRCh37 (hg19) VCF-style: chr14-21871807-A-G.
Other names: c.2486T>C, p.Ile829Thr (NM_020920.4); short protein forms I1108T, I829T.
Identifiers: ClinVar variation 4538811 (VCV004538811.1).
Genomic context (GRCh38, chr14:21,403,648, plus strand): 5'-ATGGCCTGCAGGTGAAAGTCATGAGGTATAATATGGCAAGCTTCACGGAATTCTGTTAGG[A>G]TTTTTTCTTCAGCACCTGCCAAAAGAAAAATCAAATTATGTTGAGATCCAGTGAACCATA-3'
Protein context (NP_001164100.1, residues 1098-1118): PYLINGAEEK[Ile1108Thr]LTEFREACHI